The following is an entry in ClinVar:

NM_020964.3(EPG5):c.5375_5378dup (p.Leu1794fs)

Gene: EPG5 (ectopic P-granules 5 autophagy tethering factor; minus strand). Cytogenetic location: 18q12.3.
Variant type: Duplication.
Coding change: c.5375_5378dup on transcript NM_020964.3 (MANE Select); coding-DNA positions 5375 to 5378, 4 bases duplicated (TTCA; older notation c.5375_5378dupTTCA).
Protein change: p.Leu1794fs; shifts the reading frame from leucine 1794.
Molecular consequence: frameshift variant.
Genome position (GRCh38, 1-based): chr18:45,882,414-45,882,417, TGAA duplicated on the plus strand (TTCA on the coding strand, the reverse complement: EPG5 is on the minus strand); duplicating any 4 consecutive bases within chr18:45,882,414-45,882,419 gives the same sequence; the c. name uses the placement nearest the transcript's 3' end. VCF-style (leftmost placement, unchanged base first): chr18-45882413-G-GTGAA. GRCh37 (hg19) VCF-style: chr18-43462378-G-GTGAA.
Other names: c.5375_5378dupTTCA (NM_020964.2); c.5375_5378dup, p.Leu1794fs (LRG_1234t1); short protein forms L1794fs.
Identifiers: ClinVar variation 452021 (VCV000452021.5), dbSNP rs1555667231, ClinGen allele CA658658735.
Genomic context (GRCh38, chr18:45,882,413, plus strand): 5'-AAGATTAAATGGCATCAAAATATCCTCATCTGGTTCAAGGCCCCAGGCAGTAAGTGCCAA[G>GTGAA]TGAATGGACTCCAGAAGCCTGGTACGATCAGACAGAGGAGGTTTAGTGGCGCTTAACCAT-3'

ClinVar aggregate classification (germline): Pathogenic/Likely pathogenic. Review status: criteria provided, multiple submitters, no conflicts (2 of 4 stars). 2 submissions from 2 submitters: Pathogenic (1); Likely pathogenic (1). Last evaluated 2024-09-10.

Conditions:
EPG5-related disorders.

Submissions (2):

GeneDx
Classification: Pathogenic. Last evaluated: 2024-09-10. Review status: criteria provided, single submitter. Criteria: GeneDx Variant Classification Process June 2021. Collection method: clinical testing. Allele origin: germline. Affected: yes.
Comment: Frameshift variant predicted to result in protein truncation or nonsense mediated decay in a gene for which loss-of-function is a known mechanism of disease; Has not been previously published as pathogenic or benign to our knowledge; Not observed in large population cohorts (gnomAD)

Blueprint Genetics
Classification: Likely pathogenic for EPG5-related disorders. Last evaluated: 2024-07-30. Review status: criteria provided, single submitter. Criteria: ACMG Guidelines, 2015. Collection method: clinical testing. Allele origin: germline. Affected: yes. Observed: 1 variant allele.